The following is an entry in ClinVar:

ClinVar aggregate classification (germline): Uncertain significance (1 of 4 stars; one submission).

Submission:

Women's Health and Genetics/Laboratory Corporation of America, LabCorp
Classification: Uncertain significance. Last evaluated: 2023-05-09. Review status: criteria provided, single submitter. Criteria: LabCorp Variant Classification Summary - May 2015. Collection method: clinical testing. Allele origin: germline.
Comment: Variant summary: NEB c.16910_16911delinsTG (p.Pro5637Leu) results in a non-conservative amino acid change in the encoded protein sequence. Two of four in-silico tools predict a benign effect of the variant on protein function. The variant was absent in 279794 control chromosomes. The available data on variant occurrences in the general population are insufficient to allow any conclusion about variant significance. To our knowledge, no occurrence of c.16910_16911delinsTG in individuals affected with Nemaline Myopathy 2 and no experimental evidence demonstrating its impact on protein function have been reported. No clinical diagnostic laboratories have submitted clinical-significance assessments for this variant to ClinVar after 2014. Based on the evidence outlined above, the variant was classified as uncertain significance.

NM_001164508.2(NEB):c.16910_16911inv (p.Pro5637Leu)

Gene: NEB (nebulin; minus strand). Cytogenetic location: 2q23.3.
Variant type: Inversion.
Coding change: c.16910_16911inv on transcript NM_001164508.2 (MANE Select).
Protein change: p.Pro5637Leu; replaces proline 5637 with leucine.
Molecular consequence: missense variant.
Genome position: GRCh38 VCF-style: chr2-151575797-TG-CA. GRCh37 (hg19) VCF-style: chr2-152432311-TG-CA.
Other names: c.16910_16911inv, p.Pro5637Leu (NM_001164507.2, NM_001271208.2); c.11807_11808inv, p.Pro3936Leu (NM_004543.5); c.16910_16911delinsTG (NM_001271208.1); short protein forms P3936L, P5637L.
Identifiers: ClinVar variation 2506256 (VCV002506256.1), ClinGen allele CA2580611706.